The following is an entry in ClinVar:

ClinVar aggregate classification (germline): Pathogenic. Review status: criteria provided, multiple submitters, no conflicts (2 of 4 stars). 2 submissions from 2 submitters: Pathogenic (2). Last evaluated 2026-02-26.

Conditions:
Cystic renal disease.
Polycystic kidney disease, adult type (PKD1). Also called: Polycystic Kidney Disease 1, Autosomal Dominant; Polycystic kidney disease 1; Polycystic kidney disease 1, severe; Polycystic Kidney, Autosomal Dominant; POLYCYSTIC KIDNEY DISEASE, ADULT, TYPE I; POLYCYSTIC KIDNEY DISEASE 1 WITH OR WITHOUT POLYCYSTIC LIVER DISEASE. Identifiers: MedGen C3149841, MONDO:0008263, OMIM 173900.

gnomAD v4.1: 1 of 1,596,340 alleles (0.000063%); highest among the groups gnomAD compares: Non-Finnish European, 0.000086%; no homozygotes.

Submissions (2):

Genetics Laboratory, Great Ormond Street Hospital NHS Foundation Trust, North Thames Genomic Laboratory Hub
Classification: Pathogenic for Cystic renal disease. Last evaluated: 2026-02-26. Review status: criteria provided, single submitter. Criteria: ACGS Best Practice Guidelines for Variant Classification in Rare Disease 2024 v1.2. Collection method: clinical testing. Allele origin: germline. Affected: yes.
Comment: PS4_moderate, PM2_moderate, PVS1_very-strong, PS1_supporting

Department of Pathology and Laboratory Medicine, Sinai Health System
Classification: Pathogenic for Polycystic kidney disease, adult type. Last evaluated: 2022-08-11. Review status: criteria provided, single submitter. Criteria: ACMG Guidelines, 2015. Collection method: clinical testing. Allele origin: germline. Affected: yes.

NM_001009944.3(PKD1):c.11269+1G>C

Genes: PKD1 (polycystin 1, transient receptor potential channel interacting; minus strand), PKD1-AS1 (PKD1 antisense RNA 1; plus strand). Cytogenetic location: 16p13.3.
Variant type: single nucleotide variant.
Coding change: c.11269+1G>C on transcript NM_001009944.3 (MANE Select); the canonical splice donor site of the intron after coding-DNA position 11269, G replaced by C.
Molecular consequence: splice donor variant.
Genome position (GRCh38, 1-based): chr16:2,092,479, C>G on the plus strand (G>C on the coding strand, the complement: PKD1 is on the minus strand). VCF-style: chr16-2092479-C-G. GRCh37 (hg19) VCF-style: chr16-2142480-C-G.
Other names: c.11266+1G>C (NM_000296.4).
Identifiers: ClinVar variation 3780157 (VCV003780157.2).